The following is an entry in ClinVar:

ClinVar aggregate classification (germline): Likely benign (1 of 4 stars; one submission).

Conditions:
Vitamin K-dependent clotting factors, combined deficiency of, type 2. Identifiers: Orphanet 98434, MedGen C1843832, MONDO:0011837, OMIM 607473.

Allele frequency attached by ClinVar (database versions not stated): gnomAD 0.00019 and 0.00025; TOPMed 0.00028; gnomAD exomes 0.00031; 1000 Genomes Project 30x 0.00125; 1000 Genomes Project 0.00160.

Submission:

Illumina Laboratory Services, Illumina
Classification: Likely benign for Vitamin K-dependent clotting factors, combined deficiency of, type 2. Last evaluated: 2018-01-12. Review status: criteria provided, single submitter. Criteria: ICSL Variant Classification Criteria 13 December 2019. Collection method: clinical testing. Allele origin: germline.
Comment: This variant was observed in the ICSL laboratory as part of a predisposition screen in an ostensibly healthy population. It had not been previously curated by ICSL or reported in the Human Gene Mutation Database (HGMD: prior to June 1st, 2018), and was therefore a candidate for classification through an automated scoring system. Utilizing variant allele frequency, disease prevalence and penetrance estimates, and inheritance mode, an automated score was calculated to assess if this variant is too frequent to cause the disease. Based on the score and internal cut-off values, a variant classified as likely benign is not then subjected to further curation. The score for this variant resulted in a classification of likely benign for this disease.

NM_024006.6(VKORC1):c.*243G>A

Gene: VKORC1 (vitamin K epoxide reductase complex subunit 1; minus strand). Cytogenetic location: 16p11.2.
Variant type: single nucleotide variant.
Coding change: c.*243G>A on transcript NM_024006.6 (MANE Select); 243 bases downstream of the stop codon, G replaced by A.
Molecular consequence: 3 prime UTR variant.
Genome position (GRCh38, 1-based): chr16:31,090,891, C>T on the plus strand (G>A on the coding strand, the complement: VKORC1 is on the minus strand). VCF-style: chr16-31090891-C-T. GRCh37 (hg19) VCF-style: chr16-31102212-C-T.
Other names: c.*243G>A (NM_001311311.2); c.*346G>A (NM_206824.3).
Identifiers: ClinVar variation 887420 (VCV000887420.4), dbSNP rs141753512, ClinGen allele CA280619626.